The following is an entry in ClinVar:

ClinVar aggregate classification (germline): Likely benign. Review status: criteria provided, multiple submitters, no conflicts (2 of 4 stars). 3 submissions from 3 submitters: Likely benign (3). Last evaluated 2025-04-13.

Conditions:
UGT1A1-related disorder. Also called: UGT1A1-related condition; UGT1A1-related disorders.

Allele frequency attached by ClinVar (database versions not stated): gnomAD 0.00005; TOPMed 0.00009; 1000 Genomes Project 30x 0.00016; ExAC 0.00016; 1000 Genomes Project 0.00020.
gnomAD v4.1: 42 of 1,614,180 alleles (0.0026%); highest among the groups gnomAD compares: East Asian, 0.074%; no homozygotes.

Submissions (3):

PreventionGenetics, part of Exact Sciences
Classification: Likely benign for UGT1A1-related condition. Last evaluated: 2025-04-13. Review status: criteria provided, single submitter. Criteria: ACMG Guidelines, 2015. Collection method: clinical testing. Allele origin: germline.
Comment: This variant is classified as likely benign based on ACMG/AMP sequence variant interpretation guidelines (Richards et al. 2015 PMID: 25741868, with internal and published modifications).

Labcorp Genetics (formerly Invitae), Labcorp
Classification: Likely benign. Last evaluated: 2023-12-27. Review status: criteria provided, single submitter. Criteria: Invitae Variant Classification Sherloc (09022015). Collection method: clinical testing. Allele origin: germline.

ARUP Laboratories, Molecular Genetics and Genomics, ARUP Laboratories
Classification: Likely benign. Last evaluated: 2023-05-02. Review status: criteria provided, single submitter. Criteria: ARUP Molecular Germline Variant Investigation Process 2024. Collection method: clinical testing. Allele origin: germline.

NM_000463.3(UGT1A1):c.1491C>T (p.Ala497=)

Genes: UGT1A (UDP glucuronosyltransferase family 1 member A complex locus; plus strand), UGT1A1 (UDP glucuronosyltransferase family 1 member A1; plus strand), UGT1A10 (UDP glucuronosyltransferase family 1 member A10; plus strand), UGT1A3 (UDP glucuronosyltransferase family 1 member A3; plus strand), UGT1A4 (UDP glucuronosyltransferase family 1 member A4; plus strand) and 5 more. Cytogenetic location: 2q37.1.
Variant type: single nucleotide variant.
Coding change: c.1491C>T on transcript NM_000463.3 (MANE Select); coding-DNA position 1491, C replaced by T.
Protein change: p.Ala497=; no amino-acid change (alanine 497 retained).
Molecular consequence: synonymous variant.
Genome position (GRCh38, 1-based): chr2:233,772,448, C>T. VCF-style: chr2-233772448-C-T. GRCh37 (hg19) VCF-style: chr2-234681094-C-T.
Other names: c.1482C>T, p.Ala494= (NM_019075.4, NM_019076.5, NM_019077.3 and 1 more transcripts); c.1488C>T, p.Ala496= (NM_001072.4); c.687C>T, p.Ala229= (NM_205862.3); c.1494C>T, p.Ala498= (NM_019078.2, NM_007120.3, NM_019093.4).
Identifiers: ClinVar variation 2884836 (VCV002884836.4), dbSNP rs199539868, ClinGen allele CA2180139.